The following is an entry in ClinVar:

NM_001375405.1(CEP120):c.559A>C (p.Thr187Pro)

Gene: CEP120 (centrosomal protein 120; minus strand). Cytogenetic location: 5q23.2.
Variant type: single nucleotide variant.
Coding change: c.559A>C on transcript NM_001375405.1 (MANE Select); coding-DNA position 559, A replaced by C.
Protein change: p.Thr187Pro; replaces threonine 187 with proline.
Molecular consequence: missense variant. On other transcripts: 5 prime UTR variant (2), non-coding transcript variant (1).
Genome position (GRCh38, 1-based): chr5:123,399,189, T>G on the plus strand (A>C on the coding strand, the complement: CEP120 is on the minus strand). VCF-style: chr5-123399189-T-G. GRCh37 (hg19) VCF-style: chr5-122734883-T-G.
Other names: c.481A>C, p.Thr161Pro (NM_001166226.2); c.559A>C, p.Thr187Pro (NM_001375406.1, NM_001375407.1, NM_153223.4); c.-15A>C (NM_001375408.1, NM_001375409.1); short protein forms T187P, T161P.
Identifiers: ClinVar variation 2112658 (VCV002112658.4), dbSNP rs764865440, ClinGen allele CA3387199.

ClinVar aggregate classification (germline): Uncertain significance (1 of 4 stars; one submission).

Conditions:
Short-rib thoracic dysplasia 13 with or without polydactyly (SRTD13). Identifiers: Orphanet 474, MedGen C4225378, MONDO:0014577, OMIM 616300.

Allele frequency attached by ClinVar (database versions not stated): TOPMed below 0.00001; ExAC 0.00001.
gnomAD v4.1: 1 of 1,613,900 alleles (0.000062%); highest among the groups gnomAD compares: African/African-American, 0.0013%; no homozygotes.

Submission:

Labcorp Genetics (formerly Invitae), Labcorp
Classification: Uncertain significance for Short-rib thoracic dysplasia 13 with or without polydactyly. Last evaluated: 2025-06-12. Review status: criteria provided, single submitter. Criteria: Invitae Variant Classification Sherloc (09022015). Collection method: clinical testing. Allele origin: germline.
Comment: This sequence change replaces threonine, which is neutral and polar, with proline, which is neutral and non-polar, at codon 187 of the CEP120 protein (p.Thr187Pro). This variant is present in population databases (rs764865440, gnomAD 0.007%). This variant has not been reported in the literature in individuals affected with CEP120-related conditions. ClinVar contains an entry for this variant (Variation ID: 2112658). Invitae Evidence Modeling of protein sequence and biophysical properties (such as structural, functional, and spatial information, amino acid conservation, physicochemical variation, residue mobility, and thermodynamic stability) indicates that this missense variant is not expected to disrupt CEP120 protein function with a negative predictive value of 80%. In summary, the available evidence is currently insufficient to determine the role of this variant in disease. Therefore, it has been classified as a Variant of Uncertain Significance.